The following is an entry in ClinVar:

NM_000535.7(PMS2):c.2015T>A (p.Met672Lys)

Gene: PMS2 (PMS1 homolog 2, mismatch repair system component; minus strand). Cytogenetic location: 7p22.1.
Variant type: single nucleotide variant.
Coding change: c.2015T>A on transcript NM_000535.7 (MANE Select); coding-DNA position 2015, T replaced by A.
Protein change: p.Met672Lys; replaces methionine 672 with lysine.
Molecular consequence: missense variant. On other transcripts: non-coding transcript variant (1).
Genome position (GRCh38, 1-based): chr7:5,982,983, A>T on the plus strand (T>A on the coding strand, the complement: PMS2 is on the minus strand). VCF-style: chr7-5982983-A-T. GRCh37 (hg19) VCF-style: chr7-6022614-A-T.
Other names: c.1610T>A, p.Met537Lys (NM_001322003.2, NM_001322004.2, NM_001322005.2 and 1 more transcripts); c.1859T>A, p.Met620Lys (NM_001322006.2); c.1697T>A, p.Met566Lys (NM_001322007.2, NM_001322008.2); c.1454T>A, p.Met485Lys (NM_001322010.2); c.1082T>A, p.Met361Lys (NM_001322011.2, NM_001322012.2); c.1442T>A, p.Met481Lys (NM_001322013.2); c.2015T>A, p.Met672Lys (NM_001322014.2); c.1706T>A, p.Met569Lys (NM_001322015.2); short protein forms M672K, M361K, M537K, M569K, M620K, M481K, M485K, M566K.
Identifiers: ClinVar variation 486938 (VCV000486938.5), dbSNP rs1554295972, ClinGen allele CA366738185.

ClinVar aggregate classification (germline): Uncertain significance (1 of 4 stars; one submission).

Conditions:
Hereditary cancer-predisposing syndrome. Also called: Tumor predisposition; Hereditary Cancer Syndrome; Hereditary neoplastic syndrome; Neoplastic Syndromes, Hereditary. Identifiers: Orphanet 140162, MedGen C0027672, MeSH D009386, MONDO:0015356.

Submission:

Ambry Genetics
Classification: Uncertain significance for Hereditary cancer-predisposing syndrome. Last evaluated: 2016-10-19. Review status: criteria provided, single submitter. Criteria: Ambry Variant Classification Scheme 2023. Collection method: clinical testing. Allele origin: germline.
Comment: The p.M672K variant (also known as c.2015T>A), located in coding exon 12 of the PMS2 gene, results from a T to A substitution at nucleotide position 2015. The methionine at codon 672 is replaced by lysine, an amino acid with similar properties. This amino acid position is highly conserved in available vertebrate species. In addition, this alteration is predicted to be deleterious by in silico analysis. Since supporting evidence is limited at this time, the clinical significance of this alteration remains unclear.